The following is an entry in ClinVar:

NM_006030.4(CACNA2D2):c.3183C>T (p.Gly1061=)

Genes: CACNA2D2 (calcium voltage-gated channel auxiliary subunit alpha2delta 2; minus strand), LOC127898564 (CYB561D2-LOC101928965; plus strand). Cytogenetic location: 3p21.31.
Variant type: single nucleotide variant.
Coding change: c.3183C>T on transcript NM_006030.4 (MANE Select); coding-DNA position 3183, C replaced by T.
Protein change: p.Gly1061=; no amino-acid change (glycine 1061 retained).
Molecular consequence: synonymous variant.
Genome position (GRCh38, 1-based): chr3:50,365,100, G>A on the plus strand (C>T on the coding strand, the complement: CACNA2D2 is on the minus strand). VCF-style: chr3-50365100-G-A. GRCh37 (hg19) VCF-style: chr3-50402531-G-A.
Other names: c.3183C>T, p.Gly1061= (NM_001005505.3); c.3204C>T, p.Gly1068= (NM_001174051.3); c.2976C>T, p.Gly992= (NM_001291101.1); c.3204C>T (NM_001174051.2).
Identifiers: ClinVar variation 530569 (VCV000530569.16), dbSNP rs200429466, ClinGen allele CA2418193.

ClinVar aggregate classification (germline): Likely benign. Review status: criteria provided, multiple submitters, no conflicts (2 of 4 stars). 5 submissions from 5 submitters: Likely benign (4). 1 of the submissions does not count toward it. Last evaluated 2026-01-06.

Conditions:
CACNA2D2-related disorder. Also called: CACNA2D2-related condition.
Early-infantile DEE. Also called: Ohtahara syndrome; Early infantile epileptic encephalopathy with suppression bursts; Early infantile epileptic encephalopathy. Identifiers: Orphanet 1934, MedGen C0393706, MONDO:0800491.
Cerebellar atrophy with seizures and variable developmental delay. Identifiers: MedGen C5193132, MONDO:0032788, OMIM 618501.

Allele frequency attached by ClinVar (database versions not stated): ESP Exome Variant Server 0.00008; gnomAD 0.00022 and 0.00024; gnomAD exomes 0.00029; TOPMed 0.00029; ExAC 0.00032.
gnomAD v4.1: 497 of 1,611,686 alleles (0.031%); highest among the groups gnomAD compares: Middle Eastern, 0.28%; 1 homozygote.

Submissions (5):

Labcorp Genetics (formerly Invitae), Labcorp
Classification: Likely benign for Early-infantile DEE. Last evaluated: 2026-01-06. Review status: criteria provided, single submitter. Criteria: Invitae Variant Classification Sherloc (09022015). Collection method: clinical testing. Allele origin: germline.

Athena Diagnostics
Classification: Likely benign. Last evaluated: 2025-03-03. Review status: criteria provided, single submitter. Criteria: Athena Diagnostics Criteria. Collection method: clinical testing. Allele origin: unknown.
Comment: The frequency of this variant in the general population is higher than would generally be expected for pathogenic variants in this gene. This nucleotide position exhibits low evolutionary conservation.

ARUP Laboratories, Molecular Genetics and Genomics, ARUP Laboratories
Classification: Likely benign for Cerebellar atrophy with seizures and variable developmental delay. Last evaluated: 2025-01-28. Review status: criteria provided, single submitter. Criteria: ARUP Molecular Germline Variant Investigation Process 2024. Collection method: clinical testing. Allele origin: germline.

Blueprint Genetics
Classification: Likely benign. Last evaluated: 2024-11-04. Review status: criteria provided, single submitter. Criteria: ACMG Guidelines, 2015. Collection method: clinical testing. Allele origin: germline.

PreventionGenetics, part of Exact Sciences
Classification: Likely benign for CACNA2D2-related condition. Last evaluated: 2024-04-24. Review status: no assertion criteria provided. Collection method: clinical testing. Allele origin: germline. Not counted in ClinVar's aggregate classification.
Comment: This variant is classified as likely benign based on ACMG/AMP sequence variant interpretation guidelines (Richards et al. 2015 PMID: 25741868, with internal and published modifications).